The following is an entry in ClinVar:

ClinVar aggregate classification (germline): Uncertain significance (1 of 4 stars; one submission).

Conditions:
Fanconi anemia complementation group J. Also called: BRIP1-Related Fanconi Anemia. Identifiers: Orphanet 84, MedGen C1836860, MONDO:0012187, OMIM 609054.
Familial cancer of breast. Also called: hereditary breast carcinoma; BREAST CANCER, FAMILIAL; Hereditary breast cancer. Identifiers: Orphanet 227535, MedGen C0346153, MONDO:0016419, OMIM 114480. Disease mechanism: loss of function.

Submission:

Labcorp Genetics (formerly Invitae), Labcorp
Classification: Uncertain significance for Familial cancer of breast; Fanconi anemia complementation group J. Last evaluated: 2024-06-06. Review status: criteria provided, single submitter. Criteria: Invitae Variant Classification Sherloc (09022015). Collection method: clinical testing. Allele origin: germline.
Comment: This sequence change falls in intron 16 of the BRIP1 gene. It does not directly change the encoded amino acid sequence of the BRIP1 protein. This variant is not present in population databases (gnomAD no frequency). This variant has not been reported in the literature in individuals affected with BRIP1-related conditions. ClinVar contains an entry for this variant (Variation ID: 861306). Algorithms developed to predict the effect of sequence changes on RNA splicing suggest that this variant may disrupt the consensus splice site. In summary, the available evidence is currently insufficient to determine the role of this variant in disease. Therefore, it has been classified as a Variant of Uncertain Significance.

NM_032043.3(BRIP1):c.2380-10A>G

Gene: BRIP1 (BRCA1 interacting DNA helicase 1; minus strand). Cytogenetic location: 17q23.2.
Variant type: single nucleotide variant.
Coding change: c.2380-10A>G on transcript NM_032043.3 (MANE Select); 10 bases into the intron before coding-DNA position 2380, A replaced by G.
Molecular consequence: intron variant.
Genome position (GRCh38, 1-based): chr17:61,716,073, T>C on the plus strand (A>G on the coding strand, the complement: BRIP1 is on the minus strand). VCF-style: chr17-61716073-T-C. GRCh37 (hg19) VCF-style: chr17-59793434-T-C.
Identifiers: ClinVar variation 861306 (VCV000861306.10), dbSNP rs2061858108, ClinGen allele CA916081913.